The following is an entry in ClinVar:

ClinVar aggregate classification (germline): Uncertain significance (1 of 4 stars; one submission).

Conditions:
Cardiovascular phenotype. Identifiers: MedGen CN230736.

Submission:

Ambry Genetics
Classification: Uncertain significance for Cardiovascular phenotype. Last evaluated: 2017-10-26. Review status: criteria provided, single submitter. Criteria: Ambry Variant Classification Scheme 2023. Collection method: clinical testing. Allele origin: germline.
Comment: The p.Q4879H variant (also known as c.14637A>C), located in coding exon 102 of the RYR2 gene, results from an A to C substitution at nucleotide position 14637. The glutamine at codon 4879 is replaced by histidine, an amino acid with highly similar properties. This amino acid position is highly conserved in available vertebrate species. In addition, this alteration is predicted to be deleterious by in silico analysis. Since supporting evidence is limited at this time, the clinical significance of this alteration remains unclear.

NM_001035.3(RYR2):c.14637A>C (p.Gln4879His)

Gene: RYR2 (ryanodine receptor 2; plus strand). Cytogenetic location: 1q43.
Variant type: single nucleotide variant.
Coding change: c.14637A>C on transcript NM_001035.3 (MANE Select); coding-DNA position 14637, A replaced by C.
Protein change: p.Gln4879His; replaces glutamine 4879 with histidine.
Molecular consequence: missense variant.
Genome position (GRCh38, 1-based): chr1:237,828,427, A>C. VCF-style: chr1-237828427-A-C. GRCh37 (hg19) VCF-style: chr1-237991727-A-C.
Other names: c.14637A>C, p.Gln4879His (LRG_402t1); short protein forms Q4879H.
Identifiers: ClinVar variation 518728 (VCV000518728.5), dbSNP rs1553341953, ClinGen allele CA345429418.